The following is an entry in ClinVar:

ClinVar aggregate classification (germline): Conflicting classifications of pathogenicity. Review status: criteria provided, conflicting classifications (1 of 4 stars). 8 submissions from 4 submitters: Likely pathogenic (1); Uncertain significance (7). Last evaluated 2025-10-03.

Conditions:
Hereditary cryohydrocytosis with reduced stomatin. Also called: Stomatin-deficient cryohydrocytosis with neurologic defects; GLUT1 DEFICIENCY SYNDROME WITH PSEUDOHYPERKALEMIA AND HEMOLYSIS. Identifiers: Orphanet 168577, MedGen C1837206, MONDO:0012143, OMIM 608885.
Dystonia 9 (DYT9). Also called: CHOREOATHETOSIS, KINESIGENIC, WITH EPISODIC ATAXIA AND SPASTICITY. Identifiers: Orphanet 53583, MedGen C1832855, MONDO:0010983, OMIM 601042.
Epilepsy, idiopathic generalized, susceptibility to, 12 (EIG12). Identifiers: MedGen C3553859, MONDO:0013919, OMIM 614847.
Childhood onset GLUT1 deficiency syndrome 2. Also called: Paroxysmal exercise-induced dystonia; Exertion-induced paroxysmal dyskinesia; GLUT1 deficiency syndrome 2; PAROXYSMAL EXERCISE-INDUCED DYSKINESIA WITH OR WITHOUT EPILEPSY AND/OR HEMOLYTIC ANEMIA; PAROXYSMAL EXERTION-INDUCED DYSTONIA WITH OR WITHOUT EPILEPSY AND/OR HEMOLYTIC ANEMIA; PED WITH OR WITHOUT EPILEPSY AND/OR HEMOLYTIC ANEMIA. Identifiers: Orphanet 98811, MedGen C1842534, MONDO:0012805, OMIM 612126.
Encephalopathy due to GLUT1 deficiency. Also called: Glucose transporter protein syndrome; GLUT1 deficiency syndrome 1; GLUCOSE TRANSPORT DEFECT, BLOOD-BRAIN BARRIER; De Vivo disease; GLUT1 deficiency syndrome 1, infantile onset, severe; Classic Glucose Transporter Type 1 Deficiency Syndrome. Identifiers: Orphanet 71277, MedGen C4551966, MONDO:0011724, OMIM 606777.
GLUT1 deficiency syndrome 1, autosomal recessive. Identifiers: MedGen C3149117.

Submissions (8):

Variantyx, Inc.
Classification: Likely pathogenic for Childhood onset GLUT1 deficiency syndrome 2. Last evaluated: 2025-10-03. Review status: criteria provided, single submitter. Criteria: Variantyx Assertion Criteria 2022. Collection method: clinical testing. Allele origin: de novo. Inheritance: Autosomal dominant inheritance. Affected: yes.
Comment: This is a nonsynonymous variant in the SLC2A1 gene (OMIM: 138140). Pathogenic variants in this gene have been associated with autosomal dominant childhood onset GLUT1 deficiency syndrome 2. The alteration lies within a known hotspot for pathogenic variants or a well-established critical functional domain of the SLC2A1 protein (PM1). Multiple computational algorithms predict a deleterious effect for this variant (REVEL score: 0.803) (PP3). This variant is absent from control populations (PM2). Inter- and intrafamilial clinical variability has been described (PMID: 36362347, 19304421, 36153584, 30895386). Based on the current evidence, this variant is classified as likely pathogenic for autosomal dominant childhood onset GLUT1 deficiency syndrome 2.

Genome-Nilou Lab
Classification: Uncertain significance for Epilepsy, idiopathic generalized, susceptibility to, 12. Last evaluated: 2023-04-11. Review status: criteria provided, single submitter. Criteria: ACMG Guidelines, 2015. Collection method: clinical testing. Allele origin: germline. Affected: no.

Genome-Nilou Lab
Classification: Uncertain significance for Dystonia 9. Last evaluated: 2023-04-11. Review status: criteria provided, single submitter. Criteria: ACMG Guidelines, 2015. Collection method: clinical testing. Allele origin: germline. Affected: no.

Genome-Nilou Lab
Classification: Uncertain significance for Encephalopathy due to GLUT1 deficiency. Last evaluated: 2023-04-11. Review status: criteria provided, single submitter. Criteria: ACMG Guidelines, 2015. Collection method: clinical testing. Allele origin: germline. Affected: no.

Genome-Nilou Lab
Classification: Uncertain significance for Childhood onset GLUT1 deficiency syndrome 2. Last evaluated: 2023-04-11. Review status: criteria provided, single submitter. Criteria: ACMG Guidelines, 2015. Collection method: clinical testing. Allele origin: germline. Affected: no.

Genome-Nilou Lab
Classification: Uncertain significance for Hereditary cryohydrocytosis with reduced stomatin. Last evaluated: 2023-04-11. Review status: criteria provided, single submitter. Criteria: ACMG Guidelines, 2015. Collection method: clinical testing. Allele origin: germline. Affected: no.

MGZ Medical Genetics Center
Classification: Uncertain significance for Encephalopathy due to GLUT1 deficiency. Last evaluated: 2022-02-28. Review status: criteria provided, single submitter. Criteria: ACMG Guidelines, 2015. Collection method: clinical testing. Allele origin: germline. Affected: yes. Observed: 1 variant allele.
Comment: ACMG criteria applied: PM1, PM2_SUP, PP2, PP3

Labcorp Genetics (formerly Invitae), Labcorp
Classification: Uncertain significance for GLUT1 deficiency syndrome 1, autosomal recessive. Last evaluated: 2019-11-27. Review status: criteria provided, single submitter. Criteria: Invitae Variant Classification Sherloc (09022015). Collection method: clinical testing. Allele origin: germline.
Comment: This variant has not been reported in the literature in individuals with SLC2A1-related conditions. In summary, the available evidence is currently insufficient to determine the role of this variant in disease. Therefore, it has been classified as a Variant of Uncertain Significance. Algorithms developed to predict the effect of missense changes on protein structure and function are either unavailable or do not agree on the potential impact of this missense change (SIFT: "Tolerated"; PolyPhen-2: "Probably Damaging"; Align-GVGD: "Class C0"). This variant is not present in population databases (ExAC no frequency). This sequence change replaces glycine with aspartic acid at codon 408 of the SLC2A1 protein (p.Gly408Asp). The glycine residue is moderately conserved and there is a moderate physicochemical difference between glycine and aspartic acid.

Literature cited by the submitters: PubMed 36362347 (cited by Variantyx, Inc.); PubMed 19304421 (cited by Variantyx, Inc.); PubMed 36153584 (cited by Variantyx, Inc.); PubMed 30895386 (cited by Variantyx, Inc.).

NM_006516.4(SLC2A1):c.1223G>A (p.Gly408Asp)

Gene: SLC2A1 (solute carrier family 2 member 1; minus strand). Cytogenetic location: 1p34.2.
Variant type: single nucleotide variant.
Coding change: c.1223G>A on transcript NM_006516.4 (MANE Select); coding-DNA position 1223, G replaced by A.
Protein change: p.Gly408Asp; replaces glycine 408 with aspartic acid.
Molecular consequence: missense variant.
Genome position (GRCh38, 1-based): chr1:42,927,660, C>T on the plus strand (G>A on the coding strand, the complement: SLC2A1 is on the minus strand). VCF-style: chr1-42927660-C-T. GRCh37 (hg19) VCF-style: chr1-43393331-C-T.
Other names: short protein forms G408D.
Identifiers: ClinVar variation 662300 (VCV000662300.14), dbSNP rs1570590876, ClinGen allele CA339953730.
Genomic context (GRCh38, chr1:42,927,660, plus strand): 5'-CTCACCTCCACATACTGGAAGCACATGCCCACAATGAAATTTGAGGTCCAGTTGGAGAAG[C>T]CTGCAACGGCAATGGCAGCTGGACGTGGACCCTGGCTGAAGAGTTCAGCCACGATGAACC-3'
Protein context (NP_006507.2, residues 398-418): GPRPAAIAVA[Gly408Asp]FSNWTSNFIV